The following is an entry in ClinVar:

NM_022726.4(ELOVL4):c.142C>A (p.Pro48Thr)

Gene: ELOVL4 (ELOVL fatty acid elongase 4; minus strand). Cytogenetic location: 6q14.1.
Variant type: single nucleotide variant.
Coding change: c.142C>A on transcript NM_022726.4 (MANE Select); coding-DNA position 142, C replaced by A.
Protein change: p.Pro48Thr; replaces proline 48 with threonine.
Molecular consequence: missense variant.
Genome position (GRCh38, 1-based): chr6:79,926,340, G>T on the plus strand (C>A on the coding strand, the complement: ELOVL4 is on the minus strand). VCF-style: chr6-79926340-G-T. GRCh37 (hg19) VCF-style: chr6-80636057-G-T.
Other names: short protein forms P48T.
Identifiers: ClinVar variation 3656611 (VCV003656611.2).

ClinVar aggregate classification (germline): Uncertain significance (1 of 4 stars; one submission).

Submission:

Labcorp Genetics (formerly Invitae), Labcorp
Classification: Uncertain significance. Last evaluated: 2024-06-13. Review status: criteria provided, single submitter. Criteria: Invitae Variant Classification Sherloc (09022015). Collection method: clinical testing. Allele origin: germline.
Comment: This sequence change replaces proline, which is neutral and non-polar, with threonine, which is neutral and polar, at codon 48 of the ELOVL4 protein (p.Pro48Thr). This variant is not present in population databases (gnomAD no frequency). This variant has not been reported in the literature in individuals affected with ELOVL4-related conditions. Advanced modeling of protein sequence and biophysical properties (such as structural, functional, and spatial information, amino acid conservation, physicochemical variation, residue mobility, and thermodynamic stability) performed at Invitae indicates that this missense variant is not expected to disrupt ELOVL4 protein function with a negative predictive value of 80%. In summary, the available evidence is currently insufficient to determine the role of this variant in disease. Therefore, it has been classified as a Variant of Uncertain Significance.